The following is an entry in ClinVar:

NM_005802.5(TOPORS):c.1633A>G (p.Ile545Val)

Gene: TOPORS (TOP1 binding arginine/serine rich protein, E3 ubiquitin ligase; minus strand). Cytogenetic location: 9p21.1.
Variant type: single nucleotide variant.
Coding change: c.1633A>G on transcript NM_005802.5 (MANE Select); coding-DNA position 1633, A replaced by G.
Protein change: p.Ile545Val; replaces isoleucine 545 with valine.
Molecular consequence: missense variant.
Genome position (GRCh38, 1-based): chr9:32,542,892, T>C on the plus strand (A>G on the coding strand, the complement: TOPORS is on the minus strand). VCF-style: chr9-32542892-T-C. GRCh37 (hg19) VCF-style: chr9-32542890-T-C.
Other names: c.1438A>G, p.Ile480Val (NM_001195622.2); short protein forms I480V, I545V.
Identifiers: ClinVar variation 2779204 (VCV002779204.4), dbSNP rs899605953, ClinGen allele CA192358938.

ClinVar aggregate classification (germline): Uncertain significance. Review status: criteria provided, multiple submitters, no conflicts (2 of 4 stars). 2 submissions from 2 submitters: Uncertain significance (2). Last evaluated 2024-01-11.

Allele frequency attached by ClinVar (database versions not stated): TOPMed below 0.00001; gnomAD 0.00001; gnomAD exomes 0.00001.
gnomAD v4.1: 12 of 1,614,078 alleles (0.00074%); highest among the groups gnomAD compares: Middle Eastern, 0.016%; no homozygotes.

Submissions (2):

Labcorp Genetics (formerly Invitae), Labcorp
Classification: Uncertain significance. Last evaluated: 2024-01-11. Review status: criteria provided, single submitter. Criteria: Invitae Variant Classification Sherloc (09022015). Collection method: clinical testing. Allele origin: germline.
Comment: This sequence change replaces isoleucine, which is neutral and non-polar, with valine, which is neutral and non-polar, at codon 545 of the TOPORS protein (p.Ile545Val). This variant is present in population databases (no rsID available, gnomAD 0.0009%). This variant has not been reported in the literature in individuals affected with TOPORS-related conditions. Algorithms developed to predict the effect of missense changes on protein structure and function output the following: SIFT: "Not Available"; PolyPhen-2: "Benign"; Align-GVGD: "Not Available". The valine amino acid residue is found in multiple mammalian species, which suggests that this missense change does not adversely affect protein function. In summary, the available evidence is currently insufficient to determine the role of this variant in disease. Therefore, it has been classified as a Variant of Uncertain Significance.

Blueprint Genetics
Classification: Uncertain significance. Last evaluated: 2022-11-09. Review status: criteria provided, single submitter. Criteria: ACMG Guidelines, 2015. Collection method: clinical testing. Allele origin: germline.